The following is an entry in ClinVar:

ClinVar aggregate classification (germline): Uncertain significance (1 of 4 stars; one submission).

Submission:

GeneDx
Classification: Uncertain significance. Last evaluated: 2017-10-25. Review status: criteria provided, single submitter. Criteria: GeneDx Variant Classification (06012015). Collection method: clinical testing. Allele origin: germline. Affected: yes.
Comment: The c.4826_4828delACGinsGCCGCAACC variant in the MYH7 gene has not been reported previously as a pathogenic variant, nor as a benign variant, to our knowledge. The c.4826_4828delACGinsGCCGCAACC variant is not observed in large population cohorts (Lek et al., 2016). The c.4826_4828delACGinsGCCGCAACC variant replaces Asparagine 1609 and Glutamic acid 1610 with 4 incorrect amino acids, denoted p.Asn1609_Glu1610delinsSerArgAsnGln. This substitution occurs at a position that is not conserved. In silico analysis predicts this variant is probably damaging to the protein structure/function

NM_000257.4(MYH7):c.4826_4828delinsGCCGCAACC (p.Asn1609_Glu1610delinsSerArgAsnGln)

Genes: MHRT (myosin heavy chain associated RNA transcript; plus strand), MYH7 (myosin heavy chain 7; minus strand), LOC126861897 (BRD4-independent group 4 enhancer GRCh37_chr14:23884455-23885654; plus strand). Cytogenetic location: 14q11.2.
Variant type: Indel.
Coding change: c.4826_4828delinsGCCGCAACC on transcript NM_000257.4 (MANE Select); coding-DNA positions 4826 to 4828, ACG replaced by GCCGCAACC.
Protein change: p.Asn1609_Glu1610delinsSerArgAsnGln.
Molecular consequence: inframe indel. On other transcripts: non-coding transcript variant (1).
Genome position (GRCh38, 1-based): chr14:23,416,129-23,416,131, CGT replaced by GGTTGCGGC on the plus strand (ACG replaced by GCCGCAACC on the coding strand, the reverse complement: MYH7 is on the minus strand). VCF-style: chr14-23416129-CGT-GGTTGCGGC. GRCh37 (hg19) VCF-style: chr14-23885338-CGT-GGTTGCGGC.
Other names: c.4826_4828delACGinsGCCGCAACC (LRG_384t1).
Identifiers: ClinVar variation 453145 (VCV000453145.1), dbSNP rs1555336439, ClinGen allele CA658658243.
Genomic context (GRCh38, chr14:23,416,129, plus strand): 5'-TGAGCTGGATCTCCATCTCATTGAGGTCTCCTTCCATCTTCTTCTTCACCCTCAGGGCCT[CGT>GGTTGCGGC]TGCGGCTGCGTGTCTCTGCGTCCAGGGAGGTCTGCAGCGAGTCCACCACCCGCAGGTGGT-3'